The following is an entry in ClinVar:

ClinVar aggregate classification (germline): Likely benign (0 of 4 stars; one submission).

Conditions:
PRDM6-related disorder. Also called: PRDM6-related condition.

Submission:

PreventionGenetics, part of Exact Sciences
Classification: Likely benign for PRDM6-related condition. Last evaluated: 2024-05-02. Review status: no assertion criteria provided. Collection method: clinical testing. Allele origin: germline.
Comment: This variant is classified as likely benign based on ACMG/AMP sequence variant interpretation guidelines (Richards et al. 2015 PMID: 25741868, with internal and published modifications).

NM_001136239.4(PRDM6):c.1275G>A (p.Pro425=)

Gene: PRDM6 (PR/SET domain 6; plus strand). Cytogenetic location: 5q23.2.
Variant type: single nucleotide variant.
Coding change: c.1275G>A on transcript NM_001136239.4 (MANE Select); coding-DNA position 1275, G replaced by A.
Protein change: p.Pro425=; no amino-acid change (proline 425 retained).
Molecular consequence: synonymous variant.
Genome position (GRCh38, 1-based): chr5:123,170,887, G>A. VCF-style: chr5-123170887-G-A. GRCh37 (hg19) VCF-style: chr5-122506581-G-A.
Identifiers: ClinVar variation 3355494 (VCV003355494.1).